The following is an entry in ClinVar:

NM_032634.4(PIGO):c.1271_1272del (p.Val424fs)

Gene: PIGO (phosphatidylinositol glycan anchor biosynthesis class O; minus strand). Cytogenetic location: 9p13.3.
Variant type: Microsatellite.
Coding change: c.1271_1272del on transcript NM_032634.4 (MANE Select); coding-DNA positions 1271 to 1272, 2 bases deleted (TG; older notation c.1271_1272delTG).
Protein change: p.Val424fs; shifts the reading frame from valine 424.
Molecular consequence: frameshift variant.
Genome position (GRCh38, 1-based): chr9:35,092,615-35,092,616, CA deleted on the plus strand (TG on the coding strand, the reverse complement: PIGO is on the minus strand); deleting any 2 consecutive bases within chr9:35,092,615-35,092,618 gives the same sequence; the c. name uses the placement nearest the transcript's 3' end. VCF-style (leftmost placement, unchanged base first): chr9-35092614-TCA-T. GRCh37 (hg19) VCF-style: chr9-35092611-TCA-T.
Other names: c.1271_1272delTG (NM_032634.3); c.1271_1272del (NM_032634.3); c.1271_1272del, p.Val424fs (NM_001201484.2, NM_152850.4); short protein forms V424fs.
Identifiers: ClinVar variation 577203 (VCV000577203.7), dbSNP rs1563998317, ClinGen allele CA891842946.

ClinVar aggregate classification (germline): Pathogenic/Likely pathogenic. Review status: criteria provided, multiple submitters, no conflicts (2 of 4 stars). 2 submissions from 2 submitters: Pathogenic (1); Likely pathogenic (1). Last evaluated 2023-03-09.

Conditions:
Hyperphosphatasia with impaired intellectual development syndrome 2. Also called: Hyperphosphatasia with intellectual disability syndrome 2; GLYCOSYLPHOSPHATIDYLINOSITOL BIOSYNTHESIS DEFECT 6. Identifiers: Orphanet 247262, MedGen C3553637, MONDO:0013882, OMIM 614749.

Submissions (2):

GeneDx
Classification: Likely pathogenic. Last evaluated: 2023-03-09. Review status: criteria provided, single submitter. Criteria: GeneDx Variant Classification Process June 2021. Collection method: clinical testing. Allele origin: germline. Affected: yes.
Comment: Reported heterozygous in an individual with epilepsy; however, no information was provided as to whether this individual harbored a variant on the other allele (Truty et al., 2019); Not observed at significant frequency in large population cohorts (gnomAD); Frameshift variant predicted to result in protein truncation or nonsense mediated decay in a gene for which loss of function is a known mechanism of disease; This variant is associated with the following publications: (PMID: 31440721)

Labcorp Genetics (formerly Invitae), Labcorp
Classification: Pathogenic for Hyperphosphatasia with impaired intellectual development syndrome 2. Last evaluated: 2022-01-15. Review status: criteria provided, single submitter. Criteria: Invitae Variant Classification Sherloc (09022015). Collection method: clinical testing. Allele origin: germline.
Comment: ClinVar contains an entry for this variant (Variation ID: 577203). This sequence change creates a premature translational stop signal (p.Val424Aspfs*3) in the PIGO gene. It is expected to result in an absent or disrupted protein product. Loss-of-function variants in PIGO are known to be pathogenic (PMID: 22683086, 24417746). This variant is not present in population databases (gnomAD no frequency). This variant has not been reported in the literature in individuals affected with PIGO-related conditions. For these reasons, this variant has been classified as Pathogenic.

Literature cited by the submitters: PubMed 22683086 (cited by Labcorp Genetics (formerly Invitae), Labcorp); PubMed 24417746 (cited by Labcorp Genetics (formerly Invitae), Labcorp).